The following is an entry in ClinVar:

ClinVar aggregate classification (germline): Likely benign (1 of 4 stars; one submission).

Conditions:
Familial cancer of breast. Also called: hereditary breast carcinoma; Hereditary breast cancer; BREAST CANCER, FAMILIAL. Identifiers: Orphanet 227535, MedGen C0346153, MONDO:0016419, OMIM 114480. Disease mechanism: loss of function.

Submission:

Myriad Genetics, Inc.
Classification: Likely benign for Familial cancer of breast. Last evaluated: 2024-08-30. Review status: criteria provided, single submitter. Criteria: Myriad Autosomal Dominant, Autosomal Recessive and X-Linked Classification Criteria (2023). Collection method: clinical testing. Allele origin: unknown.
Comment: This variant is considered likely benign. This variant is intronic and is not expected to impact mRNA splicing.

NM_032043.3(BRIP1):c.1936-14T>C

Gene: BRIP1 (BRCA1 interacting DNA helicase 1; minus strand). Cytogenetic location: 17q23.2.
Variant type: single nucleotide variant.
Coding change: c.1936-14T>C on transcript NM_032043.3 (MANE Select); 14 bases into the intron before coding-DNA position 1936, T replaced by C.
Molecular consequence: intron variant.
Genome position (GRCh38, 1-based): chr17:61,776,576, A>G on the plus strand (T>C on the coding strand, the complement: BRIP1 is on the minus strand). VCF-style: chr17-61776576-A-G. GRCh37 (hg19) VCF-style: chr17-59853937-A-G.
Identifiers: ClinVar variation 3378600 (VCV003378600.1).
Genomic context (GRCh38, chr17:61,776,576, plus strand): 5'-CAGAGATTCCGACCCTTGGGGCCTGACCCAATGGTACCAACCCAAACCTAGAATATGAAT[A>G]TGTCATTATTAGAGTTATGCCTGAAAAAGGCATGGAAATTAGTATTTATTTGGAAGTATG-3'